The following is an entry in ClinVar:

NM_001084.5(PLOD3):c.1936-5C>G

Gene: PLOD3 (procollagen-lysine,2-oxoglutarate 5-dioxygenase 3; minus strand). Cytogenetic location: 7q22.1.
Variant type: single nucleotide variant.
Coding change: c.1936-5C>G on transcript NM_001084.5 (MANE Select); 5 bases into the intron before coding-DNA position 1936, C replaced by G.
Molecular consequence: intron variant.
Genome position (GRCh38, 1-based): chr7:101,206,909, G>C on the plus strand (C>G on the coding strand, the complement: PLOD3 is on the minus strand). VCF-style: chr7-101206909-G-C. GRCh37 (hg19) VCF-style: chr7-100850190-G-C.
Identifiers: ClinVar variation 2228174 (VCV002228174.6), dbSNP rs768455387, ClinGen allele CA4407448.
Genomic context (GRCh38, chr7:101,206,909, plus strand): 5'-AGAGACGGCTGCTCGTCTGGCCGGTAGCGAACCACAAAGTTCATCACCGCCCGCGCCTGG[G>C]GGAGAGGAGGGAAGAGGCTGCAGGGACAGCTGCGGGCGCAGGGGGTCTTTTATTTTGTAT-3'

ClinVar aggregate classification (germline): Conflicting classifications of pathogenicity. Review status: criteria provided, conflicting classifications (1 of 4 stars). 3 submissions from 3 submitters: Uncertain significance (1); Likely benign (2). Last evaluated 2025-12-02.

Conditions:
Inborn genetic diseases. Identifiers: MedGen C0950123, MeSH D030342.

Allele frequency attached by ClinVar (database versions not stated): gnomAD 0.00003; gnomAD exomes 0.00003; TOPMed 0.00005; ExAC 0.00014.
gnomAD v4.1: 54 of 1,555,264 alleles (0.0035%); highest among the groups gnomAD compares: Middle Eastern, 0.13%; no homozygotes.

Submissions (4):

Labcorp Genetics (formerly Invitae), Labcorp
Classification: Likely benign. Last evaluated: 2025-12-02. Review status: criteria provided, single submitter. Criteria: Invitae Variant Classification Sherloc (09022015). Collection method: clinical testing. Allele origin: germline.

Blueprint Genetics
Classification: Likely benign. Last evaluated: 2023-03-17. Review status: criteria provided, single submitter. Criteria: ACMG Guidelines, 2015. Collection method: clinical testing. Allele origin: germline.

Ambry Genetics
Classification: Uncertain significance for Inborn genetic diseases. Last evaluated: 2022-06-07. Review status: criteria provided, single submitter. Criteria: Ambry Variant Classification Scheme 2023. Collection method: clinical testing. Allele origin: germline.
Comment: The c.1936-5C>G intronic alteration consists of a C to G substitution 5 nucleotides before exon 18 of the PLOD3 gene. Based on insufficient or conflicting evidence, the clinical significance of this alteration remains unclear.

Dr. Peter K. Rogan Lab, Western University
No classification provided (evidence only). Condition: Ovarian cancer. Review status: no classification provided. Collection method: in vitro. Allele origin: not applicable. Functional consequence: retained intron. Not counted in ClinVar's aggregate classification.